The following is an entry in ClinVar:

ClinVar aggregate classification (germline): Uncertain significance (1 of 4 stars; one submission).

Allele frequency attached by ClinVar (database versions not stated): gnomAD 0.00001; ExAC 0.00001; gnomAD exomes below 0.00001; TOPMed 0.00001.
gnomAD v4.1: 3 of 1,589,896 alleles (0.00019%); highest among the groups gnomAD compares: Non-Finnish European, 0.00026%; no homozygotes.

Submission:

Laboratory for Molecular Medicine, Mass General Brigham Personalized Medicine
Classification: Uncertain significance. Last evaluated: 2013-03-26. Review status: criteria provided, single submitter. Criteria: LMM Criteria. Collection method: clinical testing. Allele origin: germline. Observed: 2 variant alleles.
Comment: The 2056-13T>G variant in NEBL has not been reported in the literature nor previ ously identified by our laboratory. This variant has also not been identified in large European American and African American populations by the NHLBI Exome Seq uencing Project, though it may be present in other populations. This variant is located in the 3' splice region. Computationa l tools do not suggest an impact to splicing, though this information is not pre dictive enough to rule out pathogenicity. In summary, additional studies are nee ded to fully assess the clinical significance of this variant.

NM_006393.3(NEBL):c.2056-13T>G

Genes: NEBL (nebulette; minus strand), LOC126860875 (MED14-independent group 3 enhancer GRCh37_chr10:21105746-21106945; plus strand). Cytogenetic location: 10p12.31.
Variant type: single nucleotide variant.
Coding change: c.2056-13T>G on transcript NM_006393.3 (MANE Select); 13 bases into the intron before coding-DNA position 2056, T replaced by G.
Molecular consequence: intron variant.
Genome position (GRCh38, 1-based): chr10:20,817,705, A>C on the plus strand (T>G on the coding strand, the complement: NEBL is on the minus strand). VCF-style: chr10-20817705-A-C. GRCh37 (hg19) VCF-style: chr10-21106634-A-C.
Other names: c.250-4765T>G (NM_001377326.1, NM_001377327.1, NM_001377328.1); c.358-4765T>G (NM_213569.2, NM_001173484.2, NM_001377322.1); c.301-4765T>G (NM_001377324.1); c.292-4765T>G (NM_001377325.1); c.310-4765T>G (NM_001377323.1).
Identifiers: ClinVar variation 178829 (VCV000178829.5), dbSNP rs727504473, ClinGen allele CA183115.